The following is an entry in ClinVar:

NM_001320.7(CSNK2B):c.-11-1G>A

Gene: CSNK2B (casein kinase 2 beta; plus strand). Cytogenetic location: 6p21.33.
Variant type: single nucleotide variant.
Coding change: c.-11-1G>A on transcript NM_001320.7 (MANE Select); the canonical splice acceptor site of the intron before 11 bases upstream of the start codon, G replaced by A.
Molecular consequence: splice acceptor variant.
Genome position (GRCh38, 1-based): chr6:31,666,820, G>A. VCF-style: chr6-31666820-G-A. GRCh37 (hg19) VCF-style: chr6-31634597-G-A.
Other names: c.-11-1G>A (NM_001282385.2).
Identifiers: ClinVar variation 4530123 (VCV004530123.1).

ClinVar aggregate classification (somatic clinical impact): Tier I - Strong (1 of 4 stars; one submission).

Conditions:
Medulloblastoma WNT activated. Identifiers: MedGen C4331965, MONDO:0850196.

Submission:

Institute for Genomic Medicine (IGM) Clinical Laboratory, Nationwide Children's Hospital
Classification: Tier I - Strong for Medulloblastoma WNT activated. Assertion type: diagnostic. Clinical significance: supports diagnosis. Last evaluated: 2025-06-04. Review status: criteria provided, single submitter. Criteria: AMP/ASCO/CAP Guidelines, 2017. Collection method: clinical testing. Allele origin: somatic. Affected: yes.
Comment: Variant has Tier I (strong) clinical significance as a diagnostic inclusion criterion in medulloblastoma WNT activated, based on the following evidence: 1) Appears in one or more well-established professional guidelines (e.g., World Health Organization [WHO]; National Comprehensive Cancer Network [NCCN]) as providing diagnostic, prognostic, or therapeutic information. 2) Diagnostic for a specific tumor type/classification based on well-powered studies with expert-level consensus (Evidence Level B; PMIDs: 22820256, 28726821, 31799776, 30588243).

Literature cited by the submitters: PubMed 22820256; PubMed 28726821; PubMed 31799776; PubMed 30588243.